The following is an entry in ClinVar:

NM_000432.4(MYL2):c.354-3C>G

Gene: MYL2 (myosin light chain 2; minus strand). Cytogenetic location: 12q24.11.
Variant type: single nucleotide variant.
Coding change: c.354-3C>G on transcript NM_000432.4 (MANE Select); 3 bases into the intron before coding-DNA position 354, C replaced by G.
Molecular consequence: intron variant.
Genome position (GRCh38, 1-based): chr12:110,913,147, G>C on the plus strand (C>G on the coding strand, the complement: MYL2 is on the minus strand). VCF-style: chr12-110913147-G-C. GRCh37 (hg19) VCF-style: chr12-111350951-G-C.
Identifiers: ClinVar variation 664348 (VCV000664348.14), dbSNP rs758158083, ClinGen allele CA607329536.
Genomic context (GRCh38, chr12:110,913,147, plus strand): 5'-CCCCATTACCTCCTCCTTGGAAAACCTCTCCGCCTGCGTGGTCAGCATTTCCCGAACGCT[G>C]CAGAGAAAGGAAAGCAGGTGTTGGTGTCAGTTGTGTGTGTGTAGGGGGGACAGGGGGCAA-3'

ClinVar aggregate classification (germline): Uncertain significance. Review status: criteria provided, multiple submitters, no conflicts (2 of 4 stars). 4 submissions from 4 submitters: Uncertain significance (4). Last evaluated 2025-11-03.

Conditions:
Hypertrophic cardiomyopathy 10. Also called: CARDIOMYOPATHY, HYPERTROPHIC, MID-LEFT VENTRICULAR CHAMBER TYPE, 2; MYL2-Related Familial Hypertrophic Cardiomyopathy. Identifiers: MedGen C1834460, MONDO:0012112, OMIM 608758.
Hypertrophic cardiomyopathy. Also called: HYPERTROPHIC MYOCARDIOPATHY. Identifiers: Orphanet 217569, MedGen C0007194, MeSH D002312, MONDO:0005045, HP:0001639.
Cardiovascular phenotype. Identifiers: MedGen CN230736.

Allele frequency attached by ClinVar (database versions not stated): TOPMed 0.00002.
gnomAD v4.1: 1 of 1,614,226 alleles (0.000062%); highest among the groups gnomAD compares: Admixed American, 0.0017%; no homozygotes.

Submissions (4):

Labcorp Genetics (formerly Invitae), Labcorp
Classification: Uncertain significance for Hypertrophic cardiomyopathy 10. Last evaluated: 2025-11-03. Review status: criteria provided, single submitter. Criteria: Invitae Variant Classification Sherloc (09022015). Collection method: clinical testing. Allele origin: germline.
Comment: This sequence change falls in intron 5 of the MYL2 gene. It does not directly change the encoded amino acid sequence of the MYL2 protein. It affects a nucleotide within the consensus splice site. This variant is present in population databases (no rsID available, gnomAD 0.006%). This variant has been observed in individual(s) with hypertrophic cardiomyopathy (PMID: 28138913). ClinVar contains an entry for this variant (Variation ID: 664348). Variants that disrupt the consensus splice site are a relatively common cause of aberrant splicing (PMID: 17576681, 9536098). Algorithms developed to predict the effect of sequence changes on RNA splicing suggest that this variant may disrupt the consensus splice site. In summary, the available evidence is currently insufficient to determine the role of this variant in disease. Therefore, it has been classified as a Variant of Uncertain Significance.

Ambry Genetics
Classification: Uncertain significance for Cardiovascular phenotype. Last evaluated: 2025-07-08. Review status: criteria provided, single submitter. Criteria: Ambry Variant Classification Scheme 2023. Collection method: clinical testing. Allele origin: germline.
Comment: The c.354-3C>G intronic variant results from a C to G substitution 3 nucleotides upstream from coding exon 6 in the MYL2 gene. This nucleotide position is well conserved in available vertebrate species. This variant has been reported in a hypertrophic cardiomyopathy (HCM) cohort (Alejandra Restrepo-Cordoba M et al. J Cardiovasc Transl Res, 2017 Feb;10:35-46). In silico splice site analysis predicts that this alteration may result in the creation or strengthening of a novel splice acceptor site. Based on the available evidence, the clinical significance of this variant remains unclear.

All of Us Research Program, National Institutes of Health
Classification: Uncertain significance for Hypertrophic cardiomyopathy. Last evaluated: 2024-05-14. Review status: criteria provided, single submitter. Criteria: ACMG Guidelines, 2015. Collection method: clinical testing. Allele origin: germline. Inheritance: Autosomal dominant inheritance. Observed: 2 variant alleles, 2 heterozygotes.
Comment: This variant causes a C to G nucleotide substitution at the -3 position of intron 5 of the MYL2 gene. Splice site prediction tools predict that this variant may have a significant impact on RNA splicing. To our knowledge, RNA studies have not been reported for this variant. This variant has been reported in two individuals affected with hypertrophic cardiomyopathy (PMID: 28138913, 37107598). One of these individuals also carried a pathogenic truncation variant in the MYBPC3 gene (PMID: 37107598). This variant has been identified in 2/251486 chromosomes in the general population by the Genome Aggregation Database (gnomAD). The available evidence is insufficient to determine the role of this variant in disease conclusively. Therefore, this variant is classified as a Variant of Uncertain Significance.

This study involves interpretation of variants in research participants for the purpose of population health screening. Participant phenotype was not available at the time of variant classification. Additional details can be found in publication PMID: 35346344, PMCID: PMC8962531

GeneDx
Classification: Uncertain significance. Last evaluated: 2020-04-07. Review status: criteria provided, single submitter. Criteria: GeneDx Variant Classification Process June 2021. Collection method: clinical testing. Allele origin: germline. Affected: yes.
Comment: Identified as a variant of uncertain significance in a patient with hypertrophic cardiomyopathy in published literature (Alejandra Restrepo-Cordoba et al., 2017); Not observed at a significant frequency in large population cohorts (Lek et al., 2016); In silico analysis supports a deleterious effect on splicing; This variant is associated with the following publications: (PMID: 28138913)

Literature cited by the submitters: PubMed 28138913 (cited by 3 submitters); PubMed 17576681 (cited by Labcorp Genetics (formerly Invitae), Labcorp); PubMed 9536098 (cited by Labcorp Genetics (formerly Invitae), Labcorp); PubMed 37107598 (cited by All of Us Research Program, National Institutes of Health).